The following is an entry in ClinVar:

ClinVar aggregate classification (germline): Uncertain significance (1 of 4 stars; one submission).

Submission:

Ambry Genetics
Classification: Uncertain significance. Last evaluated: 2025-05-09. Review status: criteria provided, single submitter. Criteria: Ambry Variant Classification Scheme 2023. Collection method: clinical testing. Allele origin: germline.
Comment: The p.L1911R variant (also known as c.5732T>G), located in coding exon 23 of the WNK2 gene, results from a T to G substitution at nucleotide position 5732. The leucine at codon 1911 is replaced by arginine, an amino acid with dissimilar properties. This amino acid position is conserved. In addition, this alteration is predicted to be deleterious by in silico analysis. Based on the available evidence, the clinical significance of this variant remains unclear.

NM_006648.4(WNK2):c.5732T>G (p.Leu1911Arg)

Gene: WNK2 (WNK lysine deficient protein kinase 2; plus strand). Cytogenetic location: 9q22.31.
Variant type: single nucleotide variant.
Coding change: c.5732T>G on transcript NM_006648.4 (MANE Select); coding-DNA position 5732, T replaced by G.
Protein change: p.Leu1911Arg; replaces leucine 1911 with arginine.
Molecular consequence: missense variant.
Genome position (GRCh38, 1-based): chr9:93,297,876, T>G. VCF-style: chr9-93297876-T-G. GRCh37 (hg19) VCF-style: chr9-96060158-T-G.
Other names: c.5843T>G, p.Leu1948Arg (NM_001282394.3); short protein forms L1948R, L1911R.
Identifiers: ClinVar variation 3982018 (VCV003982018.1).